The following is an entry in ClinVar:

NM_031220.4(PITPNM3):c.*556G>C

Gene: PITPNM3 (PITPNM family member 3; minus strand). Cytogenetic location: 17p13.2.
Variant type: single nucleotide variant.
Coding change: c.*556G>C on transcript NM_031220.4 (MANE Select); 556 bases downstream of the stop codon, G replaced by C.
Molecular consequence: 3 prime UTR variant.
Genome position (GRCh38, 1-based): chr17:6,454,782, C>G on the plus strand (G>C on the coding strand, the complement: PITPNM3 is on the minus strand). VCF-style: chr17-6454782-C-G. GRCh37 (hg19) VCF-style: chr17-6358102-C-G.
Other names: c.*556G>C (NM_001165966.2).
Identifiers: ClinVar variation 324735 (VCV000324735.6), dbSNP rs4796500, ClinGen allele CA10646550.
Genomic context (GRCh38, chr17:6,454,782, plus strand): 5'-CAGCTGCAGGACAGACCGTCAGCACCAGACCCCACCCCCGAGGGCTGTGGACAGAGACGG[C>G]GTAACATGAGCCCGGGGATGTGCTCTCACTCCCAGAAAGTGGCCATCTTGCCATAAGAGC-3'

ClinVar aggregate classification (germline): Benign. Review status: criteria provided, multiple submitters, no conflicts (2 of 4 stars). 2 submissions from 2 submitters: Benign (2). Last evaluated 2018-01-13.

Conditions:
Cone-rod dystrophy 5 (CORD5). Identifiers: Orphanet 1872, MedGen C1832976, MONDO:0010969, OMIM 600977.

Allele frequency attached by ClinVar (database versions not stated): 1000 Genomes Project 30x 0.48626; 1000 Genomes Project 0.48742; gnomAD 0.55046 and 0.55212; TOPMed 0.55568; gnomAD exomes 0.56330.
gnomAD v4.1: 84,577 of 153,422 alleles (55%); highest among the groups gnomAD compares: Middle Eastern, 72%; 24,320 homozygotes.

Submissions (2):

Illumina Laboratory Services, Illumina
Classification: Benign for Cone-rod dystrophy 5. Last evaluated: 2018-01-13. Review status: criteria provided, single submitter. Criteria: ICSL Variant Classification Criteria 13 December 2019. Collection method: clinical testing. Allele origin: germline.
Comment: This variant was observed in the ICSL laboratory as part of a predisposition screen in an ostensibly healthy population. It had not been previously curated by ICSL or reported in the Human Gene Mutation Database (HGMD: prior to June 1st, 2018), and was therefore a candidate for classification through an automated scoring system. Utilizing variant allele frequency, disease prevalence and penetrance estimates, and inheritance mode, an automated score was calculated to assess if this variant is too frequent to cause the disease. Based on the score and internal cut-off values, a variant classified as benign is not then subjected to further curation. The score for this variant resulted in a classification of benign for this disease.

Breakthrough Genomics
Classification: Benign. Review status: criteria provided, single submitter. Criteria: ACMG Guidelines, 2015. Collection method: not provided. Allele origin: germline. Inheritance: Autosomal dominant inheritance. Affected: yes.